The following is an entry in ClinVar:

NM_024675.4(PALB2):c.506T>C (p.Leu169Pro)

Gene: PALB2 (partner and localizer of BRCA2; minus strand). Cytogenetic location: 16p12.2.
Variant type: single nucleotide variant.
Coding change: c.506T>C on transcript NM_024675.4 (MANE Select); coding-DNA position 506, T replaced by C.
Protein change: p.Leu169Pro; replaces leucine 169 with proline.
Molecular consequence: missense variant.
Genome position (GRCh38, 1-based): chr16:23,636,040, A>G on the plus strand (T>C on the coding strand, the complement: PALB2 is on the minus strand). VCF-style: chr16-23636040-A-G. GRCh37 (hg19) VCF-style: chr16-23647361-A-G.
Other names: short protein forms L169P.
Identifiers: ClinVar variation 1428525 (VCV001428525.17), dbSNP rs2142441769, ClinGen allele CA395137022.

ClinVar aggregate classification (germline): Uncertain significance. Review status: criteria provided, multiple submitters, no conflicts (2 of 4 stars). 2 submissions from 2 submitters: Uncertain significance (2). Last evaluated 2025-07-01.

Conditions:
Familial cancer of breast. Also called: hereditary breast carcinoma; BREAST CANCER, FAMILIAL; Hereditary breast cancer. Identifiers: Orphanet 227535, MedGen C0346153, MONDO:0016419, OMIM 114480. Disease mechanism: loss of function.

Submissions (2):

CeGaT Center for Human Genetics Tuebingen
Classification: Uncertain significance. Last evaluated: 2025-07-01. Review status: criteria provided, single submitter. Criteria: CeGaT Center For Human Genetics Tuebingen Variant Classification Criteria Version 2. Collection method: clinical testing. Allele origin: germline. Affected: yes. Observed: 1 variant allele.
Comment: PALB2: PM2, BP4

Labcorp Genetics (formerly Invitae), Labcorp
Classification: Uncertain significance for Familial cancer of breast. Last evaluated: 2022-10-28. Review status: criteria provided, single submitter. Criteria: Invitae Variant Classification Sherloc (09022015). Collection method: clinical testing. Allele origin: germline.
Comment: In summary, the available evidence is currently insufficient to determine the role of this variant in disease. Therefore, it has been classified as a Variant of Uncertain Significance. Algorithms developed to predict the effect of missense changes on protein structure and function (SIFT, PolyPhen-2, Align-GVGD) all suggest that this variant is likely to be tolerated. ClinVar contains an entry for this variant (Variation ID: 1428525). This variant has not been reported in the literature in individuals affected with PALB2-related conditions. This variant is not present in population databases (gnomAD no frequency). This sequence change replaces leucine, which is neutral and non-polar, with proline, which is neutral and non-polar, at codon 169 of the PALB2 protein (p.Leu169Pro).